The following is an entry in ClinVar:

ClinVar aggregate classification (germline): Likely pathogenic (1 of 4 stars; one submission).

Conditions:
Dilated cardiomyopathy 1G (CMD1G). Identifiers: Orphanet 154, MedGen C1858763, MONDO:0011400, OMIM 604145.
Autosomal recessive limb-girdle muscular dystrophy type 2J (LGMDR10). Also called: Limb-girdle muscular dystrophy, type 2J; MUSCULAR DYSTROPHY, LIMB-GIRDLE, AUTOSOMAL RECESSIVE 10. Identifiers: Orphanet 140922, MedGen C1837342, MONDO:0012127, OMIM 608807.

Submission:

Labcorp Genetics (formerly Invitae), Labcorp
Classification: Likely pathogenic for Dilated cardiomyopathy 1G; Autosomal recessive limb-girdle muscular dystrophy type 2J. Last evaluated: 2022-09-28. Review status: criteria provided, single submitter. Criteria: Invitae Variant Classification Sherloc (09022015). Collection method: clinical testing. Allele origin: germline.
Comment: This variant is located in the A band of TTN (PMID: 25589632). Truncating variants in this region are significantly overrepresented in patients affected with dilated cardiomyopathy (PMID: 25589632). Truncating variants in this region have also been reported in individuals affected with autosomal recessive centronuclear myopathy (PMID: 23975875). This variant has not been reported in the literature in individuals affected with TTN-related conditions. This variant is not present in population databases (gnomAD no frequency). This sequence change creates a premature translational stop signal (p.Ser26993Ilefs*41) in the TTN gene. While this is not anticipated to result in nonsense mediated decay, it is expected to create a truncated TTN protein. In summary, the currently available evidence indicates that the variant is pathogenic, but additional data are needed to prove that conclusively. Therefore, this variant has been classified as Likely Pathogenic.

Literature cited by the submitters: PubMed 25589632; PubMed 23975875.

NM_001267550.2(TTN):c.80975dup (p.Ser26993fs)

Genes: TTN-AS1 (TTN antisense RNA 1; plus strand), TTN (titin; minus strand). Cytogenetic location: 2q31.2.
Variant type: Duplication.
Coding change: c.80975dup on transcript NM_001267550.2 (MANE Select); coding-DNA position 80975, one base duplicated (T; older notation c.80975dupT).
Protein change: p.Ser26993fs; shifts the reading frame from serine 26993.
Molecular consequence: frameshift variant.
Genome position (GRCh38, 1-based): chr2:178,565,157, A duplicated on the plus strand (T on the coding strand, the reverse complement: TTN is on the minus strand). VCF-style (leftmost placement, unchanged base first): chr2-178565156-T-TA. GRCh37 (hg19) VCF-style: chr2-179429883-T-TA.
Other names: c.76052dup, p.Ser25352fs (NM_001256850.1); c.53780dup, p.Ser17928fs (NM_003319.4); c.73271dup, p.Ser24425fs (NM_133378.4); c.54155dup, p.Ser18053fs (NM_133432.3); c.54356dup, p.Ser18120fs (NM_133437.4); short protein forms S24425fs, S17928fs, S18053fs, S26993fs, S18120fs, S25352fs.
Identifiers: ClinVar variation 2130123 (VCV002130123.4), dbSNP rs2468235161, ClinGen allele CA2580064801.
Genomic context (GRCh38, chr2:178,565,156, plus strand): 5'-CTTCTCTACAATGTAGTTGCTTATTTGGCAGCCACCAGTATAGGCTGGAGGTTCCCAAGA[T>TA]ATGACTACAAAGTCTGCACTAACTTCATCAAACCGAACTGGGCCAACTGGAGGTCCAGGC-3'